The following is an entry in ClinVar:

ClinVar aggregate classification (germline): Uncertain significance (1 of 4 stars; one submission).

Submission:

Quest Diagnostics Nichols Institute San Juan Capistrano
Classification: Uncertain significance. Last evaluated: 2025-05-18. Review status: criteria provided, single submitter. Criteria: Quest Diagnostics criteria. Collection method: clinical testing. Allele origin: unknown.
Comment: The FANCA c.1627-8G>A variant has not been reported in individuals with FANCA-related conditions in the published literature. It also has not been reported in large, multi-ethnic general populations (Genome Aggregation Database). Analysis of this variant using software algorithms for the prediction of the effect of nucleotide changes on FANCA mRNA splicing yielded inconclusive findings. Based on the available information, we are unable to determine the clinical significance of this variant.

NM_000135.4(FANCA):c.1627-8G>A

Gene: FANCA (FA complementation group A; minus strand). Cytogenetic location: 16q24.3.
Variant type: single nucleotide variant.
Coding change: c.1627-8G>A on transcript NM_000135.4 (MANE Select); 8 bases into the intron before coding-DNA position 1627, G replaced by A.
Molecular consequence: intron variant.
Genome position (GRCh38, 1-based): chr16:89,779,965, C>T on the plus strand (G>A on the coding strand, the complement: FANCA is on the minus strand). VCF-style: chr16-89779965-C-T. GRCh37 (hg19) VCF-style: chr16-89846373-C-T.
Other names: c.1627-8G>A (NM_001286167.3).
Identifiers: ClinVar variation 4532860 (VCV004532860.1).